The following is an entry in ClinVar:

ClinVar aggregate classification (germline): Conflicting classifications of pathogenicity. Review status: criteria provided, conflicting classifications (1 of 4 stars). 2 submissions from 2 submitters: Uncertain significance (1); Likely benign (1). Last evaluated 2025-02-24.

Conditions:
Developmental and epileptic encephalopathy, 30 (DEE30). Also called: Epileptic encephalopathy, early infantile, 30. Identifiers: MedGen C4225360, MONDO:0014595, OMIM 616341.
Inborn genetic diseases. Identifiers: MedGen C0950123, MeSH D030342.

Submissions (2):

Ambry Genetics
Classification: Likely benign for Inborn genetic diseases. Last evaluated: 2025-02-24. Review status: criteria provided, single submitter. Criteria: Ambry Variant Classification Scheme 2023. Collection method: clinical testing. Allele origin: germline.

Labcorp Genetics (formerly Invitae), Labcorp
Classification: Uncertain significance for Developmental and epileptic encephalopathy, 30. Last evaluated: 2024-08-12. Review status: criteria provided, single submitter. Criteria: Invitae Variant Classification Sherloc (09022015). Collection method: clinical testing. Allele origin: germline.
Comment: This sequence change replaces arginine, which is basic and polar, with cysteine, which is neutral and slightly polar, at codon 480 of the SIK1 protein (p.Arg480Cys). The frequency data for this variant in the population databases is considered unreliable, as metrics indicate poor data quality at this position in the gnomAD database. This variant has not been reported in the literature in individuals affected with SIK1-related conditions. Advanced modeling of protein sequence and biophysical properties (such as structural, functional, and spatial information, amino acid conservation, physicochemical variation, residue mobility, and thermodynamic stability) performed at Invitae indicates that this missense variant is not expected to disrupt SIK1 protein function with a negative predictive value of 95%. In summary, the available evidence is currently insufficient to determine the role of this variant in disease. Therefore, it has been classified as a Variant of Uncertain Significance.

NM_173354.5(SIK1):c.1438C>T (p.Arg480Cys)

Gene: SIK1 (salt inducible kinase 1; minus strand). Cytogenetic location: 21q22.3.
Variant type: single nucleotide variant.
Coding change: c.1438C>T on transcript NM_173354.5 (MANE Select); coding-DNA position 1438, C replaced by T.
Protein change: p.Arg480Cys; replaces arginine 480 with cysteine.
Molecular consequence: missense variant.
Genome position (GRCh38, 1-based): chr21:43,419,045, G>A on the plus strand (C>T on the coding strand, the complement: SIK1 is on the minus strand). VCF-style: chr21-43419045-G-A. GRCh37 (hg19) VCF-style: chr21-44838925-G-A.
Other names: c.1438C>T (NM_173354.3); short protein forms R480C.
Identifiers: ClinVar variation 3699288 (VCV003699288.3).